The following is an entry in ClinVar:

NM_003803.4(MYOM1):c.3575A>G (p.Lys1192Arg)

Gene: MYOM1 (myomesin 1; minus strand). Cytogenetic location: 18p11.31.
Variant type: single nucleotide variant.
Coding change: c.3575A>G on transcript NM_003803.4 (MANE Select); coding-DNA position 3575, A replaced by G.
Protein change: p.Lys1192Arg; replaces lysine 1192 with arginine.
Molecular consequence: missense variant.
Genome position (GRCh38, 1-based): chr18:3,102,474, T>C on the plus strand (A>G on the coding strand, the complement: MYOM1 is on the minus strand). VCF-style: chr18-3102474-T-C. GRCh37 (hg19) VCF-style: chr18-3102472-T-C.
Other names: c.3287A>G, p.Lys1096Arg (NM_019856.2); short protein forms K1096R, K1192R.
Identifiers: ClinVar variation 2125520 (VCV002125520.4), dbSNP rs2510547462, ClinGen allele CA401703114.

ClinVar aggregate classification (germline): Uncertain significance (1 of 4 stars; one submission).

Conditions:
Hypertrophic cardiomyopathy. Also called: HYPERTROPHIC MYOCARDIOPATHY. Identifiers: Orphanet 217569, MedGen C0007194, MeSH D002312, MONDO:0005045, HP:0001639.

Submission:

Labcorp Genetics (formerly Invitae), Labcorp
Classification: Uncertain significance for Hypertrophic cardiomyopathy. Last evaluated: 2022-04-12. Review status: criteria provided, single submitter. Criteria: Invitae Variant Classification Sherloc (09022015). Collection method: clinical testing. Allele origin: germline.
Comment: In summary, the available evidence is currently insufficient to determine the role of this variant in disease. Therefore, it has been classified as a Variant of Uncertain Significance. Algorithms developed to predict the effect of missense changes on protein structure and function (SIFT, PolyPhen-2, Align-GVGD) all suggest that this variant is likely to be tolerated. This variant has not been reported in the literature in individuals affected with MYOM1-related conditions. This variant is not present in population databases (gnomAD no frequency). This sequence change replaces lysine, which is basic and polar, with arginine, which is basic and polar, at codon 1192 of the MYOM1 protein (p.Lys1192Arg).